The following is an entry in ClinVar:

ClinVar aggregate classification (germline): Uncertain significance (1 of 4 stars; one submission).

Allele frequency attached by ClinVar (database versions not stated): TOPMed below 0.00001.

Submission:

Labcorp Genetics (formerly Invitae), Labcorp
Classification: Uncertain significance. Last evaluated: 2024-05-16. Review status: criteria provided, single submitter. Criteria: Invitae Variant Classification Sherloc (09022015). Collection method: clinical testing. Allele origin: germline.
Comment: This sequence change replaces alanine, which is neutral and non-polar, with threonine, which is neutral and polar, at codon 820 of the PCLO protein (p.Ala820Thr). This variant is not present in population databases (gnomAD no frequency). This variant has not been reported in the literature in individuals affected with PCLO-related conditions. Experimental studies and prediction algorithms are not available or were not evaluated, and the functional significance of this variant is currently unknown. In summary, the available evidence is currently insufficient to determine the role of this variant in disease. Therefore, it has been classified as a Variant of Uncertain Significance.

NM_033026.6(PCLO):c.2458G>A (p.Ala820Thr)

Gene: PCLO (piccolo presynaptic cytomatrix protein; minus strand). Cytogenetic location: 7q21.11.
Variant type: single nucleotide variant.
Coding change: c.2458G>A on transcript NM_033026.6 (MANE Select); coding-DNA position 2458, G replaced by A.
Protein change: p.Ala820Thr; replaces alanine 820 with threonine.
Molecular consequence: missense variant.
Genome position (GRCh38, 1-based): chr7:83,135,092, C>T on the plus strand (G>A on the coding strand, the complement: PCLO is on the minus strand). VCF-style: chr7-83135092-C-T. GRCh37 (hg19) VCF-style: chr7-82764408-C-T.
Other names: c.2458G>A, p.Ala820Thr (NM_014510.3); short protein forms A820T.
Identifiers: ClinVar variation 2909669 (VCV002909669.2), dbSNP rs1196010675, ClinGen allele CA367900670.